The following is an entry in ClinVar:

ClinVar aggregate classification (germline): Uncertain significance. Review status: criteria provided, multiple submitters, no conflicts (2 of 4 stars). 2 submissions from 2 submitters: Uncertain significance (2). Last evaluated 2024-08-27.

Conditions:
Cardiovascular phenotype. Identifiers: MedGen CN230736.

Submissions (2):

Labcorp Genetics (formerly Invitae), Labcorp
Classification: Uncertain significance. Last evaluated: 2024-08-27. Review status: criteria provided, single submitter. Criteria: Invitae Variant Classification Sherloc (09022015). Collection method: clinical testing. Allele origin: germline.
Comment: This sequence change replaces glycine, which is neutral and non-polar, with aspartic acid, which is acidic and polar, at codon 1441 of the ALPK3 protein (p.Gly1441Asp). This variant is not present in population databases (gnomAD no frequency). This variant has not been reported in the literature in individuals affected with ALPK3-related conditions. An algorithm developed to predict the effect of missense changes on protein structure and function outputs the following: PolyPhen-2: "Benign". The aspartic acid amino acid residue is found in multiple mammalian species, which suggests that this missense change does not adversely affect protein function. In summary, the available evidence is currently insufficient to determine the role of this variant in disease. Therefore, it has been classified as a Variant of Uncertain Significance.

Ambry Genetics
Classification: Uncertain significance for Cardiovascular phenotype. Last evaluated: 2024-03-17. Review status: criteria provided, single submitter. Criteria: Ambry Variant Classification Scheme 2023. Collection method: clinical testing. Allele origin: germline.
Comment: The p.G1441D variant (also known as c.4322G>A), located in coding exon 6 of the ALPK3 gene, results from a G to A substitution at nucleotide position 4322. The glycine at codon 1441 is replaced by aspartic acid, an amino acid with similar properties. This amino acid position is conserved. In addition, this alteration is predicted to be tolerated by in silico analysis. Based on the available evidence, the clinical significance of this alteration remains unclear.

NM_020778.5(ALPK3):c.3716G>A (p.Gly1239Asp)

Gene: ALPK3 (alpha kinase 3; plus strand). Cytogenetic location: 15q25.3.
Variant type: single nucleotide variant.
Coding change: c.3716G>A on transcript NM_020778.5 (MANE Select); coding-DNA position 3716, G replaced by A.
Protein change: p.Gly1239Asp; replaces glycine 1239 with aspartic acid.
Molecular consequence: missense variant.
Genome position (GRCh38, 1-based): chr15:84,858,454, G>A. VCF-style: chr15-84858454-G-A. GRCh37 (hg19) VCF-style: chr15-85401685-G-A.
Other names: short protein forms G1239D.
Identifiers: ClinVar variation 3291277 (VCV003291277.3).